The following is an entry in ClinVar:

NM_001244008.2(KIF1A):c.5195A>G (p.Asp1732Gly)

Gene: KIF1A (kinesin family member 1A; minus strand). Cytogenetic location: 2q37.3.
Variant type: single nucleotide variant.
Coding change: c.5195A>G on transcript NM_001244008.2 (MANE Select); coding-DNA position 5195, A replaced by G.
Protein change: p.Asp1732Gly; replaces aspartic acid 1732 with glycine.
Molecular consequence: missense variant. On other transcripts: intron variant (1).
Genome position (GRCh38, 1-based): chr2:240,719,025, T>C on the plus strand (A>G on the coding strand, the complement: KIF1A is on the minus strand). VCF-style: chr2-240719025-T-C. GRCh37 (hg19) VCF-style: chr2-241658442-T-C.
Other names: c.4919A>G, p.Asp1640Gly (NM_001320705.2, NM_001379649.1); c.4946A>G, p.Asp1649Gly (NM_001330289.2); c.4994A>G, p.Asp1665Gly (NM_001330290.2, NM_001379648.1); c.5270A>G, p.Asp1757Gly (NM_001379631.1); c.5171A>G, p.Asp1724Gly (NM_001379632.1); c.5168A>G, p.Asp1723Gly (NM_001379633.1, NM_001379645.1); c.5021A>G, p.Asp1674Gly (NM_001379634.1); c.5018A>G, p.Asp1673Gly (NM_001379635.1, NM_001379646.1); and 8 more; short protein forms D1648G, D1669G, D1673G, D1674G, D1732G, D1757G, D1640G, D1656G.
Identifiers: ClinVar variation 965112 (VCV000965112.10), dbSNP rs2044928015, ClinGen allele CA351297972.
Genomic context (GRCh38, chr2:240,719,025, plus strand): 5'-AGGGTTCCTGGTGCCCGAGCCTGAGCCGGGCCCAGCCGCACCTTGAGCATAGCCTGCTGG[T>C]CCTCACTGTACTCCACCTGGGCAGTGGCCAGGTTGAGCACGAACCGCTCCACGGTGTCCT-3'
Protein context (NP_001230937.1, residues 1722-1742): LATAQVEYSE[Asp1732Gly]QQAMLKTPNT

ClinVar aggregate classification (germline): Uncertain significance (1 of 4 stars; one submission).

Conditions:
Neuropathy, hereditary sensory, type 2C. Also called: Hereditary sensory and autonomic neuropathy type IIC; KIF1A-Related HSAN2 (HSAN2C). Identifiers: Orphanet 970, MedGen C3280168, MONDO:0013634, OMIM 614213.
Intellectual disability, autosomal dominant 9 (NESCAVS). Also called: KIF1A-Related Neurodevelopmental Disorder; NESCAV SYNDROME. Identifiers: Orphanet 662367, MedGen C5393830, MONDO:0013656, OMIM 614255.
Hereditary spastic paraplegia 30. Identifiers: Orphanet 101010, MedGen C5235139, MONDO:0012476.

Allele frequency attached by ClinVar (database versions not stated): gnomAD 0.00001.
gnomAD v4.1: 1 of 1,609,102 alleles (0.000062%); highest among the groups gnomAD compares: Middle Eastern, 0.017%; no homozygotes.

Submission:

Labcorp Genetics (formerly Invitae), Labcorp
Classification: Uncertain significance for Hereditary spastic paraplegia 30; Neuropathy, hereditary sensory, type 2C; Intellectual disability, autosomal dominant 9. Last evaluated: 2019-10-10. Review status: criteria provided, single submitter. Criteria: Invitae Variant Classification Sherloc (09022015). Collection method: clinical testing. Allele origin: germline.
Comment: Algorithms developed to predict the effect of missense changes on protein structure and function are either unavailable or do not agree on the potential impact of this missense change (SIFT: "Deleterious"; PolyPhen-2: "Possibly Damaging"; Align-GVGD: "Class C0"). This variant has not been reported in the literature in individuals with KIF1A-related conditions. This variant is not present in population databases (ExAC no frequency). This sequence change replaces aspartic acid with glycine at codon 1631 of the KIF1A protein (p.Asp1631Gly). The aspartic acid residue is highly conserved and there is a moderate physicochemical difference between aspartic acid and glycine. In summary, the available evidence is currently insufficient to determine the role of this variant in disease. Therefore, it has been classified as a Variant of Uncertain Significance.